The following is an entry in ClinVar:

NC_000023.10:g.(?_128720959)_(128724247_?)del

Gene: OCRL (OCRL inositol polyphosphate-5-phosphatase; plus strand). Cytogenetic location: Xq26.1.
Variant type: Deletion.
Identifiers: ClinVar variation 2422785 (VCV002422785.4).

ClinVar aggregate classification (germline): Pathogenic (1 of 4 stars; one submission).

Conditions:
Lowe syndrome (OCRL). Also called: LOWE OCULOCEREBRORENAL SYNDROME; PHOSPHATIDYLINOSITOL 4,5-BISPHOSPHATE 5-PHOSPHATASE DEFICIENCY; Oculocerebrorenal Syndrome. Identifiers: Orphanet 534, MedGen C0028860, MONDO:0010645, OMIM 309000.

Submission:

Labcorp Genetics (formerly Invitae), Labcorp
Classification: Pathogenic for Lowe syndrome. Last evaluated: 2022-10-24. Review status: criteria provided, single submitter. Criteria: Invitae Variant Classification Sherloc (09022015). Collection method: clinical testing. Allele origin: germline.
Comment: For these reasons, this variant has been classified as Pathogenic. This variant disrupts a region of the OCRL protein in which other variant(s) (p.Met859Aspfs*7) have been determined to be pathogenic (Invitae). This suggests that this is a clinically significant region of the protein, and that variants that disrupt it are likely to be disease-causing. This variant is also known as del exons 19‚Äì23. A similar copy number variant has been observed in individual(s) with Lowe syndrome (PMID: 21031565). This variant is a gross deletion of the genomic region encompassing exon(s) 20-24 of the OCRL gene, which includes the termination codon. This deletion extends beyond the assayed region for this gene and therefore may encompass additional genes. While this deletion is not anticipated to lead to nonsense mediated decay, it is expected to alter mRNA translation or result in a truncated protein product.

Literature cited by the submitters: PubMed 21031565.